The following is an entry in ClinVar:

ClinVar aggregate classification (germline): Uncertain significance (1 of 4 stars; one submission).

gnomAD v4.1: 19 of 1,611,926 alleles (0.0012%); highest among the groups gnomAD compares: African/African-American, 0.0027%; no homozygotes.

Submission:

Labcorp Genetics (formerly Invitae), Labcorp
Classification: Uncertain significance. Last evaluated: 2025-08-05. Review status: criteria provided, single submitter. Criteria: Invitae Variant Classification Sherloc (09022015). Collection method: clinical testing. Allele origin: germline.
Comment: This sequence change replaces arginine, which is basic and polar, with glutamine, which is neutral and polar, at codon 55 of the GDF5 protein (p.Arg55Gln). This variant is present in population databases (rs371564366, gnomAD 0.005%). This variant has not been reported in the literature in individuals affected with GDF5-related conditions. An algorithm developed to predict the effect of missense changes on protein structure and function outputs the following: PolyPhen-2: "Benign". The glutamine amino acid residue is found in multiple mammalian species, which suggests that this missense change does not adversely affect protein function. In summary, the available evidence is currently insufficient to determine the role of this variant in disease. Therefore, it has been classified as a Variant of Uncertain Significance.

NM_000557.5(GDF5):c.164G>A (p.Arg55Gln)

Gene: GDF5 (growth differentiation factor 5; minus strand). Cytogenetic location: 20q11.22.
Variant type: single nucleotide variant.
Coding change: c.164G>A on transcript NM_000557.5 (MANE Select); coding-DNA position 164, G replaced by A.
Protein change: p.Arg55Gln; replaces arginine 55 with glutamine.
Molecular consequence: missense variant.
Genome position (GRCh38, 1-based): chr20:35,437,765, C>T on the plus strand (G>A on the coding strand, the complement: GDF5 is on the minus strand). VCF-style: chr20-35437765-C-T. GRCh37 (hg19) VCF-style: chr20-34025545-C-T.
Other names: c.164G>A, p.Arg55Gln (NM_001319138.2); short protein forms R55Q.
Identifiers: ClinVar variation 4753851 (VCV004753851.1).